The following is an entry in ClinVar:

ClinVar aggregate classification (germline): Conflicting classifications of pathogenicity. Review status: criteria provided, conflicting classifications (1 of 4 stars). 4 submissions from 4 submitters: Uncertain significance (3); Likely benign (1). Last evaluated 2026-08-05.

Conditions:
Hermansky-Pudlak syndrome 7 (HPS7). Identifiers: Orphanet 231531, Orphanet 79430, MedGen C3279756, MONDO:0013559, OMIM 614076.
DTNBP1-related disorder. Also called: DTNBP1-related condition.

Allele frequency attached by ClinVar (database versions not stated): TOPMed 0.00026; ESP Exome Variant Server 0.00038.
gnomAD v4.1: 559 of 1,611,932 alleles (0.035%); highest among the groups gnomAD compares: Middle Eastern, 0.05%; 1 homozygote.

Submissions (4):

PreventionGenetics, part of Exact Sciences
Classification: Uncertain significance for DTNBP1-related condition. Last evaluated: 2026-08-05. Review status: criteria provided, single submitter. Criteria: ACMG Guidelines, 2015. Collection method: clinical testing. Allele origin: germline.
Comment: The DTNBP1 c.853C>T variant is predicted to result in premature protein termination (p.Arg285*). Of note, in the more commonly reported transcript (NM_032122.4) this variant is an intronic variant (c.811+42C>T). To our knowledge, this variant has not been reported in the literature. This variant is reported in 0.049% of alleles in individuals of Ashkenazi Jewish descent in gnomAD. At this time, the clinical significance of this variant is uncertain due to the absence of conclusive functional and genetic evidence.

Blueprint Genetics
Classification: Likely benign. Last evaluated: 2024-11-13. Review status: criteria provided, single submitter. Criteria: ACMG Guidelines, 2015. Collection method: clinical testing. Allele origin: germline.

GeneDx
Classification: Uncertain significance. Last evaluated: 2024-10-16. Review status: criteria provided, single submitter. Criteria: GeneDx Variant Classification Process June 2021. Collection method: clinical testing. Allele origin: germline. Affected: yes.
Comment: Nonsense variant predicted to result in protein truncation, although loss-of-function variants have not been reported downstream of this position in the protein; Has not been previously published as pathogenic or benign to our knowledge; Reported using an alternate transcript of the gene (NM_183040.2)

Department of Pathology and Laboratory Medicine, Sinai Health System
Classification: Uncertain significance for Hermansky-Pudlak syndrome 7. Last evaluated: 2023-05-04. Review status: criteria provided, single submitter. Criteria: ACMG Guidelines, 2015. Collection method: research. Allele origin: germline.

NM_032122.5(DTNBP1):c.811+42C>T

Gene: DTNBP1 (dystrobrevin binding protein 1; minus strand). Cytogenetic location: 6p22.3.
Variant type: single nucleotide variant.
Coding change: c.811+42C>T on transcript NM_032122.5 (MANE Select); 42 bases into the intron after coding-DNA position 811, C replaced by T.
Molecular consequence: intron variant. On other transcripts: nonsense (1), non-coding transcript variant (1).
Genome position (GRCh38, 1-based): chr6:15,524,484, G>A on the plus strand (C>T on the coding strand, the complement: DTNBP1 is on the minus strand). VCF-style: chr6-15524484-G-A. GRCh37 (hg19) VCF-style: chr6-15524715-G-A.
Other names: c.853C>T, p.Arg285Ter (NM_183040.2); c.706+42C>T (NM_001271669.2); c.760+42C>T (NM_001271668.2); c.568+42C>T (NM_001271667.2); short protein forms R285*.
Identifiers: ClinVar variation 1195511 (VCV001195511.6), dbSNP rs144524387, ClinGen allele CA3643878.